The following is an entry in ClinVar:

ClinVar aggregate classification (germline): Uncertain significance (1 of 4 stars; one submission).

Conditions:
Rafiq syndrome (RAFQS). Identifiers: Orphanet 88616, MedGen C3280127, MONDO:0013624, OMIM 614202.

Allele frequency attached by ClinVar (database versions not stated): gnomAD exomes below 0.00001; TOPMed 0.00001; ExAC 0.00002; gnomAD 0.00003; ESP Exome Variant Server 0.00008.

Submission:

Labcorp Genetics (formerly Invitae), Labcorp
Classification: Uncertain significance for Rafiq syndrome. Last evaluated: 2023-02-09. Review status: criteria provided, single submitter. Criteria: Invitae Variant Classification Sherloc (09022015). Collection method: clinical testing. Allele origin: germline.
Comment: In summary, the available evidence is currently insufficient to determine the role of this variant in disease. Therefore, it has been classified as a Variant of Uncertain Significance. Algorithms developed to predict the effect of missense changes on protein structure and function are either unavailable or do not agree on the potential impact of this missense change (SIFT: "Deleterious"; PolyPhen-2: "Probably Damaging"; Align-GVGD: "Class C0"). This variant has not been reported in the literature in individuals affected with MAN1B1-related conditions. This variant is present in population databases (rs145777584, gnomAD 0.02%). This sequence change replaces tryptophan, which is neutral and slightly polar, with arginine, which is basic and polar, at codon 75 of the MAN1B1 protein (p.Trp75Arg).

NM_016219.5(MAN1B1):c.223T>C (p.Trp75Arg)

Gene: MAN1B1 (mannosidase alpha class 1B member 1; plus strand). Cytogenetic location: 9q34.3.
Variant type: single nucleotide variant.
Coding change: c.223T>C on transcript NM_016219.5 (MANE Select); coding-DNA position 223, T replaced by C.
Protein change: p.Trp75Arg; replaces tryptophan 75 with arginine.
Molecular consequence: missense variant. On other transcripts: non-coding transcript variant (2).
Genome position (GRCh38, 1-based): chr9:137,088,078, T>C. VCF-style: chr9-137088078-T-C. GRCh37 (hg19) VCF-style: chr9-139982530-T-C.
Other names: c.115T>C, p.Trp39Arg (NM_007230.1); short protein forms W75R, W39R.
Identifiers: ClinVar variation 2724642 (VCV002724642.3), dbSNP rs145777584, ClinGen allele CA5358521.